The following is an entry in ClinVar:

NM_000348.4(SRD5A2):c.453del (p.Leu152fs)

Gene: SRD5A2 (steroid 5 alpha-reductase 2; minus strand). Cytogenetic location: 2p23.1.
Variant type: Deletion.
Coding change: c.453del on transcript NM_000348.4 (MANE Select); coding-DNA position 453, one base deleted (C; older notation c.453delC).
Protein change: p.Leu152fs; shifts the reading frame from leucine 152.
Molecular consequence: frameshift variant.
Genome position (GRCh38, 1-based): chr2:31,531,465, G deleted on the plus strand (C on the coding strand, the reverse complement: SRD5A2 is on the minus strand). VCF-style (leftmost placement, unchanged base first): chr2-31531464-AG-A. GRCh37 (hg19) VCF-style: chr2-31756534-AG-A.
Other names: short protein forms L152fs.
Identifiers: ClinVar variation 4746953 (VCV004746953.1).

ClinVar aggregate classification (germline): Pathogenic (1 of 4 stars; one submission).

Conditions:
3-Oxo-5 alpha-steroid delta 4-dehydrogenase deficiency (PPSH). Also called: MALE PSEUDOHERMAPHRODITISM DUE TO 5-ALPHA-REDUCTASE DEFICIENCY; 46,XY disorder of sex development due to 5-alpha-reductase 2 deficiency; PSEUDOVAGINAL PERINEOSCROTAL HYPOSPADIAS; FAMILIAL INCOMPLETE MALE PSEUDOHERMAPHRODITISM, TYPE 2. Identifiers: Orphanet 753, MedGen C0268297, MONDO:0009923, OMIM 264600. Disease mechanism: loss of function.

Submission:

Labcorp Genetics (formerly Invitae), Labcorp
Classification: Pathogenic for 3-Oxo-5 alpha-steroid delta 4-dehydrogenase deficiency. Last evaluated: 2025-05-01. Review status: criteria provided, single submitter. Criteria: Invitae Variant Classification Sherloc (09022015). Collection method: clinical testing. Allele origin: germline.
Comment: This sequence change creates a premature translational stop signal (p.Leu152Tyrfs*8) in the SRD5A2 gene. It is expected to result in an absent or disrupted protein product. Loss-of-function variants in SRD5A2 are known to be pathogenic (PMID: 1406794, 1944596). This variant is not present in population databases (gnomAD no frequency). This premature translational stop signal has been observed in individual(s) with steroid 5-alpha-reductase deficiency (PMID: 27070133, 30132287). For these reasons, this variant has been classified as Pathogenic.

Literature cited by the submitters: PubMed 1406794; PubMed 1944596; PubMed 27070133; PubMed 30132287.